The following is an entry in ClinVar:

NM_000094.4(COL7A1):c.494G>A (p.Gly165Glu)

Gene: COL7A1 (collagen type VII alpha 1 chain; minus strand). Cytogenetic location: 3p21.31.
Variant type: single nucleotide variant.
Coding change: c.494G>A on transcript NM_000094.4 (MANE Select); coding-DNA position 494, G replaced by A.
Protein change: p.Gly165Glu; replaces glycine 165 with glutamic acid.
Molecular consequence: missense variant.
Genome position (GRCh38, 1-based): chr3:48,593,382, C>T on the plus strand (G>A on the coding strand, the complement: COL7A1 is on the minus strand). VCF-style: chr3-48593382-C-T. GRCh37 (hg19) VCF-style: chr3-48630815-C-T.
Other names: short protein forms G165E.
Identifiers: ClinVar variation 1938021 (VCV001938021.3), dbSNP rs986805584, ClinGen allele CA73993798.
Genomic context (GRCh38, chr3:48,593,382, plus strand): 5'-CCCAGCTGACCTGTCACTCCTGCTCGGTCCTTACCCACAGCAAATAGCTTGACCCCCTGC[C>T]CCTTCAGCCTTTGGGCAGCTGTGTCCACCAGGTCCTGGGACTTCCCGTCTGTGATCAGGA-3'
Protein context (NP_000085.1, residues 155-175): LVDTAAQRLK[Gly165Glu]QGVKLFAVGI

ClinVar aggregate classification (germline): Uncertain significance. Review status: criteria provided, multiple submitters, no conflicts (2 of 4 stars). 2 submissions from 2 submitters: Uncertain significance (2). Last evaluated 2024-12-14.

Allele frequency attached by ClinVar (database versions not stated): gnomAD exomes below 0.00001.
gnomAD v4.1: 2 of 1,614,154 alleles (0.00012%); highest among the groups gnomAD compares: African/African-American, 0.0013%; no homozygotes.

Submissions (2):

Women's Health and Genetics/Laboratory Corporation of America, LabCorp
Classification: Uncertain significance. Last evaluated: 2024-12-14. Review status: criteria provided, single submitter. Criteria: LabCorp Variant Classification Summary - May 2015. Collection method: clinical testing. Allele origin: germline.

Labcorp Genetics (formerly Invitae), Labcorp
Classification: Uncertain significance. Last evaluated: 2022-07-23. Review status: criteria provided, single submitter. Criteria: Invitae Variant Classification Sherloc (09022015). Collection method: clinical testing. Allele origin: germline.
Comment: This sequence change replaces glycine, which is neutral and non-polar, with glutamic acid, which is acidic and polar, at codon 165 of the COL7A1 protein (p.Gly165Glu). This variant is not present in population databases (gnomAD no frequency). This variant has not been reported in the literature in individuals affected with COL7A1-related conditions. Advanced modeling of protein sequence and biophysical properties (such as structural, functional, and spatial information, amino acid conservation, physicochemical variation, residue mobility, and thermodynamic stability) performed at Invitae indicates that this missense variant is not expected to disrupt COL7A1 protein function. In summary, the available evidence is currently insufficient to determine the role of this variant in disease. Therefore, it has been classified as a Variant of Uncertain Significance.